The following is an entry in ClinVar:

NM_001267550.2(TTN):c.105515C>A (p.Ser35172Tyr)

Genes: TTN-AS1 (TTN antisense RNA 1; plus strand), TTN (titin; minus strand), LOC129935184 (ATAC-STARR-seq lymphoblastoid active region 16809; plus strand). Cytogenetic location: 2q31.2.
Variant type: single nucleotide variant.
Coding change: c.105515C>A on transcript NM_001267550.2 (MANE Select); coding-DNA position 105515, C replaced by A.
Protein change: p.Ser35172Tyr; replaces serine 35172 with tyrosine.
Molecular consequence: missense variant.
Genome position (GRCh38, 1-based): chr2:178,531,100, G>T on the plus strand (C>A on the coding strand, the complement: TTN is on the minus strand). VCF-style: chr2-178531100-G-T. GRCh37 (hg19) VCF-style: chr2-179395827-G-T.
Other names: c.100592C>A, p.Ser33531Tyr (NM_001256850.1); c.78320C>A, p.Ser26107Tyr (NM_003319.4); c.97811C>A, p.Ser32604Tyr (NM_133378.4); c.78695C>A, p.Ser26232Tyr (NM_133432.3); c.78896C>A, p.Ser26299Tyr (NM_133437.4); short protein forms S35172Y, S26107Y, S33531Y, S26232Y, S26299Y, S32604Y.
Identifiers: ClinVar variation 659538 (VCV000659538.7), dbSNP rs749354699, ClinGen allele CA349408617.
Genomic context (GRCh38, chr2:178,531,100, plus strand): 5'-TGGACTGAAGAGATCTCAAAGGTTGATTTGTACTTTGTGGTGGTCACTTGGTGGCGGGCA[G>T]AAGTACTTAGCACTTGTCCTTTACGCAGCCAGGTCACAGTTGGTACCGGCTCACCATCGG-3'
Protein context (NP_001254479.2, residues 35162-35182): WLRKGQVLST[Ser35172Tyr]ARHQVTTTKY

ClinVar aggregate classification (germline): Uncertain significance (1 of 4 stars; one submission).

Conditions:
Dilated cardiomyopathy 1G (CMD1G). Identifiers: Orphanet 154, MedGen C1858763, MONDO:0011400, OMIM 604145.
Autosomal recessive limb-girdle muscular dystrophy type 2J (LGMDR10). Also called: Limb-girdle muscular dystrophy, type 2J; MUSCULAR DYSTROPHY, LIMB-GIRDLE, AUTOSOMAL RECESSIVE 10. Identifiers: Orphanet 140922, MedGen C1837342, MONDO:0012127, OMIM 608807.

gnomAD v4.1: 1 of 1,612,942 alleles (0.000062%); highest among the groups gnomAD compares: Admixed American, 0.0017%; no homozygotes.

Submission:

Labcorp Genetics (formerly Invitae), Labcorp
Classification: Uncertain significance for Dilated cardiomyopathy 1G; Autosomal recessive limb-girdle muscular dystrophy type 2J. Last evaluated: 2025-11-05. Review status: criteria provided, single submitter. Criteria: Invitae Variant Classification Sherloc (09022015). Collection method: clinical testing. Allele origin: germline.
Comment: This sequence change replaces serine, which is neutral and polar, with tyrosine, which is neutral and polar, at codon 35172 of the TTN protein (p.Ser35172Tyr). This variant is present in population databases (no rsID available, gnomAD 0.003%). This variant has not been reported in the literature in individuals affected with TTN-related conditions. ClinVar contains an entry for this variant (Variation ID: 659538). Experimental studies and prediction algorithms are not available or were not evaluated, and the functional significance of this variant is currently unknown. This variant is located in the M band of TTN (PMID: 25589632). Non-truncating variants in this region may be relevant for neuromuscular disorders, but have not been definitively shown to cause cardiomyopathy (PMID: 23975875). In summary, the available evidence is currently insufficient to determine the role of this variant in disease. Therefore, it has been classified as a Variant of Uncertain Significance.

Literature cited by the submitters: PubMed 25589632; PubMed 23975875.